The following is an entry in ClinVar:

NM_003072.5(SMARCA4):c.1098C>T (p.Ile366=)

Gene: SMARCA4 (SWI/SNF related BAF chromatin remodeling complex subunit ATPase 4; plus strand). Cytogenetic location: 19p13.2.
Variant type: single nucleotide variant.
Coding change: c.1098C>T on transcript NM_003072.5 (MANE Select); coding-DNA position 1098, C replaced by T.
Protein change: p.Ile366=; no amino-acid change (isoleucine 366 retained).
Molecular consequence: synonymous variant. On other transcripts: non-coding transcript variant (1).
Genome position (GRCh38, 1-based): chr19:10,987,904, C>T. VCF-style: chr19-10987904-C-T. GRCh37 (hg19) VCF-style: chr19-11098580-C-T.
Other names: c.1098C>T, p.Ile366= (NM_001128844.3, NM_001128845.2, NM_001128846.2 and 5 more transcripts).
Identifiers: ClinVar variation 537867 (VCV000537867.16), dbSNP rs532242119, ClinGen allele CA9203671.

ClinVar aggregate classification (germline): Benign/Likely benign. Review status: criteria provided, multiple submitters, no conflicts (2 of 4 stars). 4 submissions from 4 submitters: Benign (3); Likely benign (1). Last evaluated 2026-07-09.

Conditions:
Hereditary cancer-predisposing syndrome. Also called: Tumor predisposition; Neoplastic Syndromes, Hereditary; Hereditary Cancer Syndrome; Hereditary neoplastic syndrome. Identifiers: Orphanet 140162, MedGen C0027672, MeSH D009386, MONDO:0015356.
Rhabdoid tumor predisposition syndrome 2 (RTPS2). Identifiers: Orphanet 231108, Orphanet 69077, MedGen C2750074, MONDO:0013224, OMIM 613325.

Allele frequency attached by ClinVar (database versions not stated): 1000 Genomes Project 0.00040; 1000 Genomes Project 30x 0.00031.
gnomAD v4.1: 40 of 1,613,004 alleles (0.0025%); highest among the groups gnomAD compares: South Asian, 0.035%; no homozygotes.

Submissions (4):

Myriad Genetics, Inc.
Classification: Benign for Rhabdoid tumor predisposition syndrome 2. Last evaluated: 2026-07-09. Review status: criteria provided, single submitter. Criteria: Myriad Autosomal Dominant, Autosomal Recessive and X-Linked Classification Criteria (2023). Collection method: clinical testing. Allele origin: unknown.
Comment: This variant is considered benign. This variant is a silent/synonymous amino acid change and it is not expected to impact splicing.

Labcorp Genetics (formerly Invitae), Labcorp
Classification: Benign for Rhabdoid tumor predisposition syndrome 2. Last evaluated: 2025-11-05. Review status: criteria provided, single submitter. Criteria: Invitae Variant Classification Sherloc (09022015). Collection method: clinical testing. Allele origin: germline.

Quest Diagnostics Nichols Institute San Juan Capistrano
Classification: Benign. Last evaluated: 2025-08-08. Review status: criteria provided, single submitter. Criteria: Quest Diagnostics criteria. Collection method: clinical testing. Allele origin: unknown.

Ambry Genetics
Classification: Likely benign for Hereditary cancer-predisposing syndrome. Last evaluated: 2019-09-16. Review status: criteria provided, single submitter. Criteria: Ambry Variant Classification Scheme 2023. Collection method: clinical testing. Allele origin: germline.